The following is an entry in ClinVar:

ClinVar aggregate classification (germline): Benign. Review status: criteria provided, multiple submitters, no conflicts (2 of 4 stars). 4 submissions from 4 submitters: Benign (3). 1 of the submissions does not count toward it. Last evaluated 2024-07-15.

Allele frequency attached by ClinVar (database versions not stated): 1000 Genomes Project 0.91933; ExAC 0.97493; 1000 Genomes Project 30x 0.91599; ESP Exome Variant Server 0.93065; gnomAD 0.93555 and 0.93246; gnomAD exomes 0.97917 and 0.99092; TOPMed 0.92792.
gnomAD v4.1: 1,585,290 of 1,608,828 alleles (99%); highest among the groups gnomAD compares: Non-Finnish European, 100%; 782,837 homozygotes.

Submissions (4):

Unidad de Genómica Garrahan, Hospital de Pediatría Garrahan
Classification: Benign. Last evaluated: 2024-07-15. Review status: criteria provided, single submitter. Criteria: ACMG Guidelines, 2015. Collection method: clinical testing. Allele origin: germline. Affected: no. Observed: 93 variant alleles.
Comment: This variant is classified as Benign based on local population frequency. This variant was detected in 100% of patients studied in a panel designed for Epileptic and Developmental Encephalopathy and Progressive Myoclonus Epilepsy. Number of patients: 93. Only high quality variants are reported.

GeneDx
Classification: Benign. Last evaluated: 2018-06-25. Review status: criteria provided, single submitter. Criteria: GeneDx Variant Classification Process June 2021. Collection method: clinical testing. Allele origin: germline. Affected: yes.

Breakthrough Genomics
Classification: Benign. Review status: criteria provided, single submitter. Criteria: ACMG Guidelines, 2015. Collection method: not provided. Allele origin: germline. Inheritance: Autosomal dominant inheritance. Affected: yes.

Genetic Services Laboratory, University of Chicago
Classification: Likely benign. Review status: no assertion criteria provided. Collection method: clinical testing. Allele origin: germline. Inheritance: Autosomal dominant inheritance. Not counted in ClinVar's aggregate classification.
Comment: Likely benign based on allele frequency in 1000 Genomes Project or ESP global frequency and its presence in a patient with a rare or unrelated disease phenotype. NOT Sanger confirmed

NM_001130438.3(SPTAN1):c.6708-47G>A

Gene: SPTAN1 (spectrin alpha, non-erythrocytic 1; plus strand). Cytogenetic location: 9q34.11.
Variant type: single nucleotide variant.
Coding change: c.6708-47G>A on transcript NM_001130438.3 (MANE Select); 47 bases into the intron before coding-DNA position 6708, G replaced by A.
Molecular consequence: intron variant.
Genome position (GRCh38, 1-based): chr9:128,630,274, G>A. VCF-style: chr9-128630274-G-A. GRCh37 (hg19) VCF-style: chr9-131392553-G-A.
Other names: c.6771-47G>A (NM_001363759.2); c.6693-47G>A (NM_003127.4); c.6648-47G>A (NM_001363765.2); c.6633-47G>A (NM_001195532.2).
Identifiers: ClinVar variation 160025 (VCV000160025.11), dbSNP rs7866175, ClinGen allele CA173595.